The following continues an entry in ClinVar:

NM_001126108.2(SLC12A3):c.1928C>T (p.Pro643Leu)

Gene: SLC12A3. ClinVar aggregate classification (germline): Pathogenic/Likely pathogenic. Pathogenic (18); Likely pathogenic (6).

Submissions 13 to 29 of 29:

Victorian Clinical Genetics Services, Murdoch Childrens Research Institute
Classification: Pathogenic for Familial hypokalemia-hypomagnesemia. Last evaluated: 2023-07-17. Review status: criteria provided, single submitter. Criteria: ACMG Guidelines, 2015. Collection method: clinical testing. Allele origin: germline. Inheritance: Autosomal dominant inheritance. Affected: yes.
Comment: Based on the classification scheme VCGS_Germline_v1.3.4, this variant is classified as Pathogenic. Following criteria are met: 0102 - Loss of function is a known mechanism of disease in this gene and is associated with Gitelman syndrome (MIM#263800). (I) 0106 - This gene is associated with autosomal recessive disease. (I) 0200 - Variant is predicted to result in a missense amino acid change from proline to leucine. (I) 0251 - This variant is heterozygous. (I) 0304 - Variant is present in gnomAD (v2) <0.01 for a recessive condition (43 heterozygote(s), 0 homozygotes). (SP) 0309 - An alternative amino acid change at the same position has been observed in gnomAD (v2) (1 heterozygote, 0 homozygotes). (I) 0501 - Missense variant consistently predicted to be damaging by multiple in silico tools or highly conserved with a major amino acid change. (SP) 0602 - Variant is located in a hotspot region or cluster of pathogenic variants at the end of the amino acid permease domain (DECIPHER). (SP) 0801 - This variant has strong previous evidence of pathogenicity in unrelated individuals. This variant has been classified as pathogenic and likely pathogenic by multiple clinical laboratories in ClinVar and has been observed as both homozygous and compound heterozygous in individuals with Gitelman syndrome (PMID: 33585337). This variant has also been previously reported along with two other SLC12A3 variants, p.(Arg955Gln) and p.(Ser28Argfs*19), in one individual with Gitelman syndrome (PMID: 21415153). (SP) 1208 - Inheritance information for this variant is not currently available in this individual. (I) Legend: (SP) - Supporting pathogenic, (I) - Information, (SB) - Supporting benign

3billion
Classification: Likely pathogenic for Familial hypokalemia-hypomagnesemia. Last evaluated: 2023-06-09. Review status: criteria provided, single submitter. Criteria: ACMG Guidelines, 2015. Collection method: clinical testing. Allele origin: germline. Affected: yes.
Comment: The variant is observed at an extremely low frequency in the gnomAD v2.1.1 dataset (total allele frequency: 0.015%). Predicted Consequence/Location: Missense variant In silico tool predictions suggest damaging effect of the variant on gene or gene product (REVEL: 0.85; 3Cnet: 0.96). Same nucleotide change resulting in same amino acid change has been previously reported as pathogenic/likely pathogenic with strong evidence (ClinVar ID: VCV000417863 /PMID: 11168953). Therefore, this variant is classified as Likely pathogenic according to the recommendation of ACMG/AMP guideline.

European Hospital Georges Pompidou Genetics Department, Assistance Publique - Hôpitaux de Paris AP-HP
Classification: Likely pathogenic for Familial hypokalemia-hypomagnesemia. Last evaluated: 2022-04-27. Review status: criteria provided, single submitter. Criteria: ACMG Guidelines, 2015. Collection method: clinical testing. Allele origin: germline. Affected: yes.
Comment: ACMG criteria used:PS4, PM1, PM2, PM3, PP3, PP5

Laboratory of Medical Genetics, National & Kapodistrian University of Athens
Classification: Pathogenic for Familial hypokalemia-hypomagnesemia. Last evaluated: 2021-10-05. Review status: criteria provided, single submitter. Criteria: ACMG Guidelines, 2015. Collection method: clinical testing. Allele origin: unknown. Affected: yes.
Comment: PM2, PP2, PP3, PP5

Genome-Nilou Lab
Classification: Likely pathogenic for Familial hypokalemia-hypomagnesemia. Last evaluated: 2021-07-15. Review status: criteria provided, single submitter. Criteria: ACMG Guidelines, 2015. Collection method: clinical testing. Allele origin: germline. Affected: no.

Athena Diagnostics
Classification: Pathogenic. Last evaluated: 2020-12-22. Review status: criteria provided, single submitter. Criteria: Athena Diagnostics criteria. Collection method: clinical testing. Allele origin: unknown.
Comment: This variant is statistically more frequent in affected individuals than in the general population and/or healthy controls and therefore is consistent with pathogenicity. In multiple individuals, this variant has been seen with a single recessive pathogenic variant in the same gene, suggesting this variant may also be pathogenic. Computational tools predict that this variant is damaging.

Ambry Genetics
Classification: Pathogenic for Inborn genetic diseases. Last evaluated: 2020-11-05. Review status: criteria provided, single submitter. Criteria: Ambry Variant Classification Scheme 2023. Collection method: clinical testing. Allele origin: germline.
Comment: The c.1928C>T (p.P643L) alteration is located in exon 16 (coding exon 16) of the SLC12A3 gene. This alteration results from a C to T substitution at nucleotide position 1928, causing the proline (P) at amino acid position 643 to be replaced by a leucine (L). Based on data from the Genome Aggregation Database (gnomAD) database, the SLC12A3 c.1928C>T alteration was observed in 0.02% (43/281436) of total alleles studied, with a frequency of 0.17% (18/10354) in the Ashkenazi Jewish subpopulation. This alteration has been reported in multiple patients with Gitelman syndrome in both the homozygous and compound heterozygous states (Cruz, 2001; Pantanetti, 2002; Fava, 2007; Roser, 2009; Balavoine, 2011; Glaudemans, 2012; Zahed, 2017). This amino acid position is highly conserved in available vertebrate species. The p.P643L alteration is predicted to be deleterious by in silico analysis. Based on the available evidence, this alteration is classified as pathogenic.

Illumina Laboratory Services, Illumina
Classification: Pathogenic for Gitelman Syndrome. Last evaluated: 2019-04-08. Review status: criteria provided, single submitter. Criteria: ICSL Variant Classification Criteria 15 May 2018. Collection method: clinical testing. Allele origin: germline.
Comment: Across a selection of the available literature, the SLC12A3 c.1928C>T (p.Pro643Leu) missense variant has been reported in at least 20 unrelated individuals affected with Gitelman syndrome, including in a homozygous state in three and in a compound heterozygous state in 17 (Cruz et al. 2001; Pantanetti et al. 2002; Talaulikar and Falk 2005; Vargas-Poussou et al. 2011; Balavoine et al. 2011; Glaudemans et al. 2012; Nakhoul et al. 2012; Zahed et al. 2017). Control data are unavailable for this variant, which is reported at a frequency of 0.001774 in the Ashkenazi Jewish population of the Genome Aggregation Database. Based on the collective evidence, the p.Pro643Leu variant is classified as pathogenic for Gitelman syndrome. This variant was observed by ICSL as part of a predisposition screen in an ostensibly healthy population.

Center of Genomic medicine, Geneva, University Hospital of Geneva
Classification: Pathogenic for Familial hypokalemia-hypomagnesemia. Last evaluated: 2018-05-30. Review status: criteria provided, single submitter. Criteria: ACMG Guidelines, 2015. Collection method: clinical testing. Allele origin: germline. Affected: yes.

Clinical Genetics Service, Universitary Hospital 12 de Octubre
Classification: Pathogenic for Familial hypokalemia-hypomagnesemia. Review status: criteria provided, single submitter. Criteria: ACMG Guidelines, 2015. Collection method: clinical testing. Allele origin: germline. Affected: yes.

Kariminejad - Najmabadi Pathology & Genetics Center
Classification: Pathogenic for Familial hypokalemia-hypomagnesemia. Review status: criteria provided, single submitter. Criteria: ACMG Guidelines, 2015. Collection method: clinical testing. Allele origin: germline. Affected: no.

Neuberg Centre For Genomic Medicine, NCGM
Classification: Likely pathogenic for Familial hypokalemia-hypomagnesemia. Review status: criteria provided, single submitter. Criteria: ACMG Guidelines, 2015. Collection method: clinical testing. Allele origin: germline. Inheritance: Autosomal recessive inheritance. Affected: yes.
Comment: The missense variant c.1928C>T(p.Pro643Leu) in SLC12A3 gene has been observed in compound heterozygous state in multiple individuals with Gitelman syndrome (PMID: 11168953, 11940055, 17654016, 21753071, 22169961; Zahed et. al., 2017; Nakhoul et. al., 2012; Glaudemans et. al., 2012). The observed variant has allele frequency of 0.02% in gnomAD exomes database. This variant has been submitted to the ClinVar database as Pathogenic / Likely Pathogenic (multiple submitters). Multiple lines of computational evidence (Polyphen - probably damaging, SIFT - damaging and MutationTaster - disease causing) predict a damaging effect on protein structure and function for this variant. The reference amino acid change p.Pro643Leu in SLC12A3 is predicted as conserved by GERP++ and PhyloP across 100 vertebrates. The amino acid Pro at position 643 is changed to a Leu changing protein sequence and it might alter its composition and physico-chemical properties. For these reasons, this variant has been classified as Likely Pathogenic.

Sydney Genome Diagnostics, Children's Hospital Westmead
Classification: Likely pathogenic for Familial hypokalemia-hypomagnesemia; Bartter syndrome. Last evaluated: 2018-10-24. Review status: no assertion criteria provided. Collection method: clinical testing. Allele origin: unknown. Affected: yes. Observed: 1 variant allele, 2 compound heterozygotes. Not counted in ClinVar's aggregate classification.
Comment: This variant (dbSNP: rs140012787) has been reported in the ExAC database with a very low allele frequency of 0.018% (22 out of 119660 alleles). This variant has been previously reported in trans with other SLC12A3 variants in patients with Gitelman syndrome in the literature (Vargas-Poussou et al 2011 J Am Soc Nephrol 22:693-703). In addition, this variant has been reported in cis with SLC12A3 p.(Pro548Leu), and in trans with SLC12A3 p.(Gly439Ser), in a patient with remarkably severe Gitelman syndrome (Roser et al 2009 Hypertension 53:893-897)

Gharavi Laboratory, Columbia University
Classification: Pathogenic. Last evaluated: 2018-09-16. Review status: no assertion criteria provided. Criteria: ACMG Guidelines, 2015. Collection method: research. Allele origin: germline. Affected: yes. Not counted in ClinVar's aggregate classification.

Division of Human Genetics, Children's Hospital of Philadelphia
Classification: Pathogenic for Familial hypokalemia-hypomagnesemia. Last evaluated: 2015-09-23. Review status: no assertion criteria provided. Collection method: research. Allele origin: maternal. Study: CSER-PediSeq. Not counted in ClinVar's aggregate classification.

Genome Diagnostics Laboratory, University Medical Center Utrecht
Classification: Pathogenic. Review status: no assertion criteria provided. Collection method: clinical testing. Allele origin: germline. Affected: yes. Study: VKGL Data-share Consensus. Not counted in ClinVar's aggregate classification.

Joint Genome Diagnostic Labs from Nijmegen and Maastricht, Radboudumc and MUMC+
Classification: Likely pathogenic. Review status: no assertion criteria provided. Collection method: clinical testing. Allele origin: germline. Affected: yes. Study: VKGL Data-share Consensus. Not counted in ClinVar's aggregate classification.

Literature cited by the submitters: PubMed 31672324 (cited by Natera, Inc. and Athena Diagnostics); PubMed 22169961 (cited by 5 submitters); PubMed 11168953 (cited by 8 submitters); PubMed 11940055 (cited by 7 submitters); PubMed 17654016 (cited by 5 submitters); PubMed 21753071 (cited by 7 submitters); PubMed 28947054 (cited by 4 submitters); PubMed 15976513 (cited by 3 submitters); PubMed 21415153 (cited by 5 submitters); PubMed 22009145 (cited by 5 submitters); PubMed 33585337 (cited by Victorian Clinical Genetics Services, Murdoch Childrens Research Institute); PubMed 32129221 (cited by Athena Diagnostics); PubMed 19349556 (cited by Athena Diagnostics and Ambry Genetics).